The following is an entry in ClinVar:

NM_004171.4(SLC1A2):c.221T>A (p.Val74Glu)

Gene: SLC1A2 (solute carrier family 1 member 2; minus strand). Cytogenetic location: 11p13.
Variant type: single nucleotide variant.
Coding change: c.221T>A on transcript NM_004171.4 (MANE Select); coding-DNA position 221, T replaced by A.
Protein change: p.Val74Glu; replaces valine 74 with glutamic acid.
Molecular consequence: missense variant.
Genome position (GRCh38, 1-based): chr11:35,315,112, A>T on the plus strand (T>A on the coding strand, the complement: SLC1A2 is on the minus strand). VCF-style: chr11-35315112-A-T. GRCh37 (hg19) VCF-style: chr11-35336659-A-T.
Other names: c.194T>A, p.Val65Glu (NM_001195728.3, NM_001252652.2); short protein forms V65E, V74E.
Identifiers: ClinVar variation 3720649 (VCV003720649.2).

ClinVar aggregate classification (germline): Uncertain significance (1 of 4 stars; one submission).

gnomAD v4.1: 3 of 1,612,268 alleles (0.00019%); highest among the groups gnomAD compares: Non-Finnish European, 0.00025%; no homozygotes.

Submission:

Labcorp Genetics (formerly Invitae), Labcorp
Classification: Uncertain significance. Last evaluated: 2024-10-16. Review status: criteria provided, single submitter. Criteria: Invitae Variant Classification Sherloc (09022015). Collection method: clinical testing. Allele origin: germline.
Comment: This sequence change replaces valine, which is neutral and non-polar, with glutamic acid, which is acidic and polar, at codon 74 of the SLC1A2 protein (p.Val74Glu). This variant is not present in population databases (gnomAD no frequency). This variant has not been reported in the literature in individuals affected with SLC1A2-related conditions. Invitae Evidence Modeling of protein sequence and biophysical properties (such as structural, functional, and spatial information, amino acid conservation, physicochemical variation, residue mobility, and thermodynamic stability) indicates that this missense variant is not expected to disrupt SLC1A2 protein function with a negative predictive value of 80%. In summary, the available evidence is currently insufficient to determine the role of this variant in disease. Therefore, it has been classified as a Variant of Uncertain Significance.